The following is an entry in ClinVar:

NM_017947.4(MOCOS):c.819C>T (p.Gly273=)

Gene: MOCOS (molybdenum cofactor sulfurase; plus strand). Cytogenetic location: 18q12.2.
Variant type: single nucleotide variant.
Coding change: c.819C>T on transcript NM_017947.4 (MANE Select); coding-DNA position 819, C replaced by T.
Protein change: p.Gly273=; no amino-acid change (glycine 273 retained).
Molecular consequence: synonymous variant.
Genome position (GRCh38, 1-based): chr18:36,200,202, C>T. VCF-style: chr18-36200202-C-T. GRCh37 (hg19) VCF-style: chr18-33780165-C-T.
Other names: c.819C>T (NM_017947.2).
Identifiers: ClinVar variation 2712832 (VCV002712832.5), dbSNP rs375133814, ClinGen allele CA8940514.

ClinVar aggregate classification (germline): Likely benign. Review status: criteria provided, single submitter (1 of 4 stars). 2 submissions from 2 submitters: Likely benign (1). 1 of the submissions does not count toward it. Last evaluated 2023-12-15.

Conditions:
Xanthinuria type II. Also called: Xanthine dehydrogenase and aldehyde oxidase combined deficiency of; XDH and AOX dual deficiency. Identifiers: Orphanet 3467, Orphanet 93602, MedGen C1863688, MONDO:0011346, OMIM 603592.
MOCOS-related disorder. Also called: MOCOS-related condition.

Allele frequency attached by ClinVar (database versions not stated): gnomAD 0.00004; ESP Exome Variant Server 0.00008; ExAC 0.00009.
gnomAD v4.1: 74 of 1,614,046 alleles (0.0046%); highest among the groups gnomAD compares: South Asian, 0.038%; no homozygotes.

Submissions (2):

Labcorp Genetics (formerly Invitae), Labcorp
Classification: Likely benign for Xanthinuria type II. Last evaluated: 2023-12-15. Review status: criteria provided, single submitter. Criteria: Invitae Variant Classification Sherloc (09022015). Collection method: clinical testing. Allele origin: germline.

PreventionGenetics, part of Exact Sciences
Classification: Likely benign for MOCOS-related condition. Last evaluated: 2019-07-10. Review status: no assertion criteria provided. Collection method: clinical testing. Allele origin: germline. Not counted in ClinVar's aggregate classification.
Comment: This variant is classified as likely benign based on ACMG/AMP sequence variant interpretation guidelines (Richards et al. 2015 PMID: 25741868, with internal and published modifications).